The following is an entry in ClinVar:

NM_001031689.3(PLAA):c.1931T>C (p.Ile644Thr)

Gene: PLAA (phospholipase A2 activating protein; minus strand). Cytogenetic location: 9p21.2.
Variant type: single nucleotide variant.
Coding change: c.1931T>C on transcript NM_001031689.3 (MANE Select); coding-DNA position 1931, T replaced by C.
Protein change: p.Ile644Thr; replaces isoleucine 644 with threonine.
Molecular consequence: missense variant.
Genome position (GRCh38, 1-based): chr9:26,905,968, A>G on the plus strand (T>C on the coding strand, the complement: PLAA is on the minus strand). VCF-style: chr9-26905968-A-G. GRCh37 (hg19) VCF-style: chr9-26905966-A-G.
Other names: c.1862T>C, p.Ile621Thr (NM_001321546.2); short protein forms I621T, I644T.
Identifiers: ClinVar variation 1932008 (VCV001932008.5), dbSNP rs1255165207, ClinGen allele CA373127030.

ClinVar aggregate classification (germline): Uncertain significance (1 of 4 stars; one submission).

Allele frequency attached by ClinVar (database versions not stated): gnomAD exomes below 0.00001; gnomAD 0.00001; TOPMed 0.00003.
gnomAD v4.1: 4 of 1,614,062 alleles (0.00025%); highest among the groups gnomAD compares: African/African-American, 0.0027%; no homozygotes.

Submission:

Labcorp Genetics (formerly Invitae), Labcorp
Classification: Uncertain significance. Last evaluated: 2024-04-10. Review status: criteria provided, single submitter. Criteria: Invitae Variant Classification Sherloc (09022015). Collection method: clinical testing. Allele origin: germline.
Comment: This sequence change replaces isoleucine, which is neutral and non-polar, with threonine, which is neutral and polar, at codon 644 of the PLAA protein (p.Ile644Thr). This variant is present in population databases (no rsID available, gnomAD 0.006%). This variant has not been reported in the literature in individuals affected with PLAA-related conditions. ClinVar contains an entry for this variant (Variation ID: 1932008). Advanced modeling of protein sequence and biophysical properties (such as structural, functional, and spatial information, amino acid conservation, physicochemical variation, residue mobility, and thermodynamic stability) performed at Invitae indicates that this missense variant is not expected to disrupt PLAA protein function with a negative predictive value of 80%. In summary, the available evidence is currently insufficient to determine the role of this variant in disease. Therefore, it has been classified as a Variant of Uncertain Significance.